The following is an entry in ClinVar:

NM_001356.5(DDX3X):c.302G>A (p.Arg101Gln)

Gene: DDX3X (DEAD-box helicase 3 X-linked; plus strand). Cytogenetic location: Xp11.4.
Variant type: single nucleotide variant.
Coding change: c.302G>A on transcript NM_001356.5 (MANE Select); coding-DNA position 302, G replaced by A.
Protein change: p.Arg101Gln; replaces arginine 101 with glutamine.
Molecular consequence: missense variant. On other transcripts: 5 prime UTR variant (1), non-coding transcript variant (1).
Genome position (GRCh38, 1-based): chrX:41,342,512, G>A. VCF-style: chrX-41342512-G-A. GRCh37 (hg19) VCF-style: chrX-41201765-G-A.
Other names: c.302G>A, p.Arg101Gln (NM_001193416.3); c.254G>A, p.Arg85Gln (NM_001193417.3); c.-257G>A (NM_001363819.1); short protein forms R101Q, R85Q.
Identifiers: ClinVar variation 3343554 (VCV003343554.1).

ClinVar aggregate classification (germline): Uncertain significance (1 of 4 stars; one submission).

gnomAD v4.1: 2 of 1,209,829 alleles (0.00017%); highest among the groups gnomAD compares: Non-Finnish European, 0.00022%; no homozygotes.

Submission:

GeneDx
Classification: Uncertain significance. Last evaluated: 2023-05-22. Review status: criteria provided, single submitter. Criteria: GeneDx Variant Classification Process June 2021. Collection method: clinical testing. Allele origin: germline. Affected: yes.
Comment: Not observed at significant frequency in large population cohorts (gnomAD); In silico analysis supports that this missense variant does not alter protein structure/function; Has not been previously published as pathogenic or benign to our knowledge